The following is an entry in ClinVar:

ClinVar aggregate classification (germline): Uncertain significance (1 of 4 stars; one submission).

Conditions:
Fucosidosis. Also called: ALPHA-L-FUCOSIDASE DEFICIENCY. Identifiers: Orphanet 349, MedGen C0016788, MONDO:0009254, OMIM 230000.

Allele frequency attached by ClinVar (database versions not stated): gnomAD exomes 0.00004.
gnomAD v4.1: 52 of 1,614,110 alleles (0.0032%); highest among the groups gnomAD compares: Non-Finnish European, 0.0044%; no homozygotes.

Submission:

Labcorp Genetics (formerly Invitae), Labcorp
Classification: Uncertain significance for Fucosidosis. Last evaluated: 2022-03-01. Review status: criteria provided, single submitter. Criteria: Invitae Variant Classification Sherloc (09022015). Collection method: clinical testing. Allele origin: germline.
Comment: In summary, the available evidence is currently insufficient to determine the role of this variant in disease. Therefore, it has been classified as a Variant of Uncertain Significance. Algorithms developed to predict the effect of missense changes on protein structure and function are either unavailable or do not agree on the potential impact of this missense change (SIFT: "Deleterious"; PolyPhen-2: "Probably Damaging"; Align-GVGD: "Class C15"). This variant has not been reported in the literature in individuals affected with FUCA1-related conditions. This variant is not present in population databases (gnomAD no frequency). This sequence change replaces glycine, which is neutral and non-polar, with aspartic acid, which is acidic and polar, at codon 333 of the FUCA1 protein (p.Gly333Asp).

NM_000147.5(FUCA1):c.998G>A (p.Gly333Asp)

Gene: FUCA1 (alpha-L-fucosidase 1; minus strand). Cytogenetic location: 1p36.11.
Variant type: single nucleotide variant.
Coding change: c.998G>A on transcript NM_000147.5 (MANE Select); coding-DNA position 998, G replaced by A.
Protein change: p.Gly333Asp; replaces glycine 333 with aspartic acid.
Molecular consequence: missense variant. On other transcripts: non-coding transcript variant (4).
Genome position (GRCh38, 1-based): chr1:23,848,811, C>T on the plus strand (G>A on the coding strand, the complement: FUCA1 is on the minus strand). VCF-style: chr1-23848811-C-T. GRCh37 (hg19) VCF-style: chr1-24175301-C-T.
Other names: short protein forms G333D.
Identifiers: ClinVar variation 1957896 (VCV001957896.3), dbSNP rs1013512148, ClinGen allele CA19322814.